The following is an entry in ClinVar:

NM_004369.4(COL6A3):c.8010G>A (p.Ala2670=)

Gene: COL6A3 (collagen type VI alpha 3 chain; minus strand). Cytogenetic location: 2q37.3.
Variant type: single nucleotide variant.
Coding change: c.8010G>A on transcript NM_004369.4 (MANE Select); coding-DNA position 8010, G replaced by A.
Protein change: p.Ala2670=; no amino-acid change (alanine 2670 retained).
Molecular consequence: synonymous variant.
Genome position (GRCh38, 1-based): chr2:237,340,906, C>T on the plus strand (G>A on the coding strand, the complement: COL6A3 is on the minus strand). VCF-style: chr2-237340906-C-T. GRCh37 (hg19) VCF-style: chr2-238249549-C-T.
Other names: c.6189G>A, p.Ala2063= (NM_057166.5); c.7392G>A, p.Ala2464= (NM_057167.4).
Identifiers: ClinVar variation 95001 (VCV000095001.24), dbSNP rs79313758, ClinGen allele CA148056.

ClinVar aggregate classification (germline): Benign. Review status: criteria provided, multiple submitters, no conflicts (2 of 4 stars). 6 submissions from 6 submitters: Benign (5). 1 of the submissions does not count toward it. Last evaluated 2026-02-02.

Conditions:
Collagen 6-related myopathy. Identifiers: MedGen CN117976, MONDO:0100225.
Bethlem myopathy 1A. Also called: Bethlem myopathy 1; Bethlem Muscular Dystrophy; MYOPATHY, BENIGN CONGENITAL, WITH CONTRACTURES. Identifiers: Orphanet 610, MedGen CN029274, MONDO:0024530, OMIM 158810.

Allele frequency attached by ClinVar (database versions not stated): gnomAD exomes 0.00051 and 0.00127; ESP Exome Variant Server 0.00577; gnomAD 0.00452 and 0.00483; TOPMed 0.00527; 1000 Genomes Project 0.00739; 1000 Genomes Project 30x 0.00796; ExAC 0.00171.
gnomAD v4.1: 1,454 of 1,613,218 alleles (0.09%); highest among the groups gnomAD compares: African/African-American, 1.5%; 9 homozygotes.

Submissions (6):

Labcorp Genetics (formerly Invitae), Labcorp
Classification: Benign for Bethlem myopathy 1A. Last evaluated: 2026-02-02. Review status: criteria provided, single submitter. Criteria: Invitae Variant Classification Sherloc (09022015). Collection method: clinical testing. Allele origin: germline.

Illumina Laboratory Services, Illumina
Classification: Benign for Collagen VI-related myopathy. Last evaluated: 2018-01-13. Review status: criteria provided, single submitter. Criteria: ICSL Variant Classification Criteria 13 December 2019. Collection method: clinical testing. Allele origin: germline.
Comment: This variant was observed in the ICSL laboratory as part of a predisposition screen in an ostensibly healthy population. It had not been previously curated by ICSL or reported in the Human Gene Mutation Database (HGMD: prior to June 1st, 2018), and was therefore a candidate for classification through an automated scoring system. Utilizing variant allele frequency, disease prevalence and penetrance estimates, and inheritance mode, an automated score was calculated to assess if this variant is too frequent to cause the disease. Based on the score and internal cut-off values, a variant classified as benign is not then subjected to further curation. The score for this variant resulted in a classification of benign for this disease.

GeneDx
Classification: Benign. Last evaluated: 2016-09-23. Review status: criteria provided, single submitter. Criteria: GeneDx Variant Classification (06012015). Collection method: clinical testing. Allele origin: germline. Affected: yes.
Comment: This variant is considered likely benign or benign based on one or more of the following criteria: it is a conservative change, it occurs at a poorly conserved position in the protein, it is predicted to be benign by multiple in silico algorithms, and/or has population frequency not consistent with disease.

Eurofins Ntd Llc (ga)
Classification: Benign. Last evaluated: 2012-11-02. Review status: criteria provided, single submitter. Criteria: EGL Classification Definitions 2015. Collection method: clinical testing. Allele origin: germline. Observed: 2 variant alleles, 2 heterozygotes.

PreventionGenetics, part of Exact Sciences
Classification: Benign. Review status: criteria provided, single submitter. Criteria: ACMG Guidelines, 2015. Collection method: clinical testing. Allele origin: germline.

Genetic Services Laboratory, University of Chicago
Classification: Likely benign for AllHighlyPenetrant. Review status: no assertion criteria provided. Collection method: clinical testing. Allele origin: germline. Not counted in ClinVar's aggregate classification.
Comment: Likely benign based on allele frequency in 1000 Genomes Project or ESP global frequency and its presence in a patient with a rare or unrelated disease phenotype. NOT Sanger confirmed.